The following is an entry in ClinVar:

NM_000465.4(BARD1):c.2233T>A (p.Tyr745Asn)

Gene: BARD1 (BRCA1 associated RING domain 1; minus strand). Cytogenetic location: 2q35.
Variant type: single nucleotide variant.
Coding change: c.2233T>A on transcript NM_000465.4 (MANE Select); coding-DNA position 2233, T replaced by A.
Protein change: p.Tyr745Asn; replaces tyrosine 745 with asparagine.
Molecular consequence: missense variant. On other transcripts: non-coding transcript variant (3).
Genome position (GRCh38, 1-based): chr2:214,728,777, A>T on the plus strand (T>A on the coding strand, the complement: BARD1 is on the minus strand). VCF-style: chr2-214728777-A-T. GRCh37 (hg19) VCF-style: chr2-215593501-A-T.
Other names: c.2176T>A, p.Tyr726Asn (NM_001282543.2); c.880T>A, p.Tyr294Asn (NM_001282545.2); c.823T>A, p.Tyr275Asn (NM_001282548.2); c.694T>A, p.Tyr232Asn (NM_001282549.2); short protein forms Y726N, Y745N, Y275N, Y232N, Y294N.
Identifiers: ClinVar variation 5032777 (VCV005032777.1).

ClinVar aggregate classification (germline): Uncertain significance (1 of 4 stars; one submission).

Conditions:
Hereditary cancer-predisposing syndrome. Also called: Neoplastic Syndromes, Hereditary; Tumor predisposition; Hereditary neoplastic syndrome; Hereditary Cancer Syndrome. Identifiers: Orphanet 140162, MedGen C0027672, MeSH D009386, MONDO:0015356.

Submission:

Ambry Genetics
Classification: Uncertain significance for Hereditary cancer-predisposing syndrome. Last evaluated: 2026-06-25. Review status: criteria provided, single submitter. Criteria: Ambry Variant Classification Scheme 2023. Collection method: clinical testing. Allele origin: germline.
Comment: The p.Y745N variant (also known as c.2233T>A), located in coding exon 11 of the BARD1 gene, results from a T to A substitution at nucleotide position 2233. The tyrosine at codon 745 is replaced by asparagine, an amino acid with dissimilar properties. This amino acid position is conserved. In addition, this alteration is predicted to be tolerated by in silico analysis. Based on the available evidence, the clinical significance of this variant remains unclear.